The following is an entry in ClinVar:

ClinVar aggregate classification (germline): Likely pathogenic (1 of 4 stars; one submission).

Conditions:
Paediatric disorders.

Submission:

North West Genomic Laboratory Hub, Manchester University NHS Foundation Trust
Classification: Likely pathogenic for Paediatric disorders. Last evaluated: 2025-12-29. Review status: criteria provided, single submitter. Criteria: ACGS Best Practice Guidelines for Variant Classification in Rare Disease 2024. Collection method: clinical testing. Allele origin: germline. Affected: yes.
Comment: PP3_Supp PM3_Supp PM2_Mod PP4_Mod

NM_001378615.1(CC2D2A):c.3911T>C (p.Leu1304Pro)

Genes: CC2D2A (coiled-coil and C2 domain containing 2A; plus strand), FBXL5 (F-box and leucine rich repeat protein 5; minus strand). Cytogenetic location: 4p15.32.
Variant type: single nucleotide variant.
Coding change: c.3911T>C on transcript NM_001378615.1 (MANE Select); coding-DNA position 3911, T replaced by C.
Protein change: p.Leu1304Pro; replaces leucine 1304 with proline.
Molecular consequence: missense variant.
Genome position (GRCh38, 1-based): chr4:15,580,107, T>C. VCF-style: chr4-15580107-T-C. GRCh37 (hg19) VCF-style: chr4-15581730-T-C.
Other names: c.3764T>C, p.Leu1255Pro (NM_001378617.1); c.3911T>C, p.Leu1304Pro (NM_001080522.2); short protein forms L1255P, L1304P.
Identifiers: ClinVar variation 5020077 (VCV005020077.1).